The following is an entry in ClinVar:

ClinVar aggregate classification (germline): Likely pathogenic (1 of 4 stars; one submission).

Conditions:
Periventricular nodular heterotopia 9. Identifiers: MedGen C5394503, MONDO:0030061, OMIM 618918.

Submission:

Women's Health and Genetics/Laboratory Corporation of America, LabCorp
Classification: Likely pathogenic for Periventricular nodular heterotopia 9. Last evaluated: 2022-12-02. Review status: criteria provided, single submitter. Criteria: LabCorp Variant Classification Summary - May 2015. Collection method: clinical testing. Allele origin: germline.
Comment: Variant summary: MAP1B c.3362dupA (p.Ser1122ValfsX4) results in a premature termination codon, predicted to cause a truncation of the encoded protein or absence of the protein due to nonsense mediated decay, which are commonly known mechanisms for disease. The variant was absent in 251380 control chromosomes (gnomAD). To our knowledge, no occurrence of c.3362dupA in individuals affected with Periventricular Nodular Heterotopia 9 and no experimental evidence demonstrating its impact on protein function have been reported. No clinical diagnostic laboratories have submitted clinical-significance assessments for this variant to ClinVar after 2014. Based on the evidence outlined above, the variant was classified as likely pathogenic.

NM_005909.5(MAP1B):c.3362dup (p.Ser1122fs)

Gene: MAP1B (microtubule associated protein 1B; plus strand). Cytogenetic location: 5q13.2.
Variant type: Duplication.
Coding change: c.3362dup on transcript NM_005909.5 (MANE Select); coding-DNA position 3362, one base duplicated (A; older notation c.3362dupA).
Protein change: p.Ser1122fs; shifts the reading frame from serine 1122.
Molecular consequence: frameshift variant.
Genome position (GRCh38, 1-based): chr5:72,196,717, A duplicated. VCF-style (leftmost placement, unchanged base first): chr5-72196716-C-CA. GRCh37 (hg19) VCF-style: chr5-71492543-C-CA.
Other names: c.2984dup, p.Ser996fs (NM_001324255.2); short protein forms S996fs, S1122fs.
Identifiers: ClinVar variation 1878324 (VCV001878324.1), dbSNP rs2478575646, ClinGen allele CA2580073460.
Genomic context (GRCh38, chr5:72,196,716, plus strand): 5'-TCTGATGAGGAGAATCGAGAAGACCAGCCTGAGGAATTCACTGCCACCTCTGGCTACACT[C>CA]AGTCTACTATTGAGATATCCAGTGAGCCCACCCCCATGGATGAGATGTCTACCCCTCGAG-3'